The following is an entry in ClinVar:

ClinVar aggregate classification (germline): Uncertain significance (1 of 4 stars; one submission).

gnomAD v4.1: 34 of 1,612,408 alleles (0.0021%); highest among the groups gnomAD compares: South Asian, 0.033%; no homozygotes.

Submission:

GeneDx
Classification: Uncertain significance. Last evaluated: 2026-03-25. Review status: criteria provided, single submitter. Criteria: GeneDx Variant Classification Process June 2021. Collection method: clinical testing. Allele origin: germline.
Comment: In silico analysis suggests that this missense variant does not alter protein structure/function; Has not been previously published as pathogenic or benign to our knowledge

NM_001395413.1(POR):c.1984A>G (p.Ile662Val)

Gene: POR (cytochrome p450 oxidoreductase; plus strand). Cytogenetic location: 7q11.23.
Variant type: single nucleotide variant.
Coding change: c.1984A>G on transcript NM_001395413.1 (MANE Select); coding-DNA position 1984, A replaced by G.
Protein change: p.Ile662Val; replaces isoleucine 662 with valine.
Molecular consequence: missense variant.
Genome position (GRCh38, 1-based): chr7:75,986,431, A>G. VCF-style: chr7-75986431-A-G. GRCh37 (hg19) VCF-style: chr7-75615749-A-G.
Other names: c.2038A>G, p.Ile680Val (NM_001382655.3); c.1984A>G, p.Ile662Val (NM_001382657.2, NM_001382658.3, NM_001382659.3 and 1 more transcripts); c.1834A>G, p.Ile612Val (NM_001382662.3); short protein forms I612V, I662V, I680V.
Identifiers: ClinVar variation 5017463 (VCV005017463.1).